The following is an entry in ClinVar:

ClinVar aggregate classification (germline): Likely pathogenic. Review status: criteria provided, single submitter (1 of 4 stars). 2 submissions from 2 submitters: Likely pathogenic (1). 1 of the submissions does not count toward it. Last evaluated 2022-12-06.

Conditions:
Brachydactyly type A1. Also called: SHORT STATURE WITH NONSPECIFIC SKELETAL ABNORMALITIES 2; FARABEE-TYPE BRACHYDACTYLY. Identifiers: Orphanet 93388, MedGen C1862151, MONDO:0007215, OMIM 112500, HP:0009371.

Submissions (2):

Labcorp Genetics (formerly Invitae), Labcorp
Classification: Likely pathogenic. Last evaluated: 2022-12-06. Review status: criteria provided, single submitter. Criteria: Invitae Variant Classification Sherloc (09022015). Collection method: clinical testing. Allele origin: germline.
Comment: ClinVar contains an entry for this variant (Variation ID: 8875). In summary, the currently available evidence indicates that the variant is pathogenic, but additional data are needed to prove that conclusively. Therefore, this variant has been classified as Likely Pathogenic. Advanced modeling of protein sequence and biophysical properties (such as structural, functional, and spatial information, amino acid conservation, physicochemical variation, residue mobility, and thermodynamic stability) performed at Invitae indicates that this missense variant is expected to disrupt IHH protein function. This missense change has been observed in individuals with autosomal dominant brachydactyly (PMID: 19277064; Invitae). It has also been observed to segregate with disease in related individuals. This variant is not present in population databases (gnomAD no frequency). This sequence change replaces arginine, which is basic and polar, with glutamine, which is neutral and polar, at codon 128 of the IHH protein (p.Arg128Gln).

OMIM
Classification: Pathogenic for BRACHYDACTYLY, TYPE A1. Last evaluated: 2009-09-01. Review status: no assertion criteria provided. Collection method: literature only. Allele origin: germline. Not counted in ClinVar's aggregate classification.

Literature cited by the submitters: PubMed 19277064 (cited by Labcorp Genetics (formerly Invitae), Labcorp and OMIM).

NM_002181.4(IHH):c.383G>A (p.Arg128Gln)

Gene: IHH (Indian hedgehog signaling molecule; minus strand). Cytogenetic location: 2q35.
Variant type: single nucleotide variant.
Coding change: c.383G>A on transcript NM_002181.4 (MANE Select); coding-DNA position 383, G replaced by A.
Protein change: p.Arg128Gln; replaces arginine 128 with glutamine.
Molecular consequence: missense variant.
Genome position (GRCh38, 1-based): chr2:219,057,627, C>T on the plus strand (G>A on the coding strand, the complement: IHH is on the minus strand). VCF-style: chr2-219057627-C-T. GRCh37 (hg19) VCF-style: chr2-219922349-C-T.
Other names: short protein forms R128Q.
Identifiers: ClinVar variation 8875 (VCV000008875.7), dbSNP rs267606873, ClinGen allele CA119983.